The following is an entry in ClinVar:

NM_004333.6(BRAF):c.2128-26dup

Gene: BRAF (B-Raf proto-oncogene, serine/threonine kinase; minus strand). Cytogenetic location: 7q34.
Variant type: Duplication.
Coding change: c.2128-26dup on transcript NM_004333.6 (MANE Select); 26 bases into the intron before coding-DNA position 2128, one base duplicated (T; older notation c.2128-26dupT).
Molecular consequence: intron variant.
Genome position (GRCh38, 1-based): chr7:140,734,787, A duplicated on the plus strand (T on the coding strand, the reverse complement: BRAF is on the minus strand); the first of 10 consecutive A bases (chr7:140,734,787-140,734,796); duplicating any one gives the same sequence. VCF-style (leftmost placement, unchanged base first): chr7-140734786-G-GA. GRCh37 (hg19) VCF-style: chr7-140434586-G-GA.
Other names: c.2127+5016dup (NM_001378474.1, NM_001378468.1); c.2026-26dup (NM_001378470.1); c.1864-26dup (NM_001378475.1); c.2017-26dup (NM_001378471.1); c.2128-26dup (NM_001354609.2); c.2248-26dup (NM_001374258.1, NM_001374244.1); c.2137-26dup (NM_001378467.1); c.1972-26dup (NM_001378472.1, NM_001378473.1); and 2 more.
Identifiers: ClinVar variation 928540 (VCV000928540.7), dbSNP rs370332827, ClinGen allele CA4516545.
Genomic context (GRCh38, chr7:140,734,786, plus strand): 5'-AATTTTTGGCAATGAGCGGGCCAGCAGCTCAATAGAGGCGAGAATCTACAAAAAAAAAAA[G>GA]AAAAAAAAAAGAAAAAAAAAGAAAAAAGAAAAAAAAAGAAAGAAAGAAAAAGAAAAAACA-3'

ClinVar aggregate classification (germline): Benign. Review status: criteria provided, multiple submitters, no conflicts (2 of 4 stars). 3 submissions from 3 submitters: Benign (2). 1 of the submissions does not count toward it. Last evaluated 2025-11-09.

Conditions:
BRAF-related disorder. Also called: BRAF-related condition.
RASopathy. Also called: Noonan spectrum disorder; rasopathies. Identifiers: Orphanet 536391, MedGen C5555857, MONDO:0021060.

Submissions (3):

Labcorp Genetics (formerly Invitae), Labcorp
Classification: Benign for RASopathy. Last evaluated: 2025-11-09. Review status: criteria provided, single submitter. Criteria: Invitae Variant Classification Sherloc (09022015). Collection method: clinical testing. Allele origin: germline.

Women's Health and Genetics/Laboratory Corporation of America, LabCorp
Classification: Benign. Last evaluated: 2019-08-19. Review status: criteria provided, single submitter. Criteria: LabCorp Variant Classification Summary - May 2015. Collection method: clinical testing. Allele origin: germline.
Comment: Variant summary: BRAF c.2128-17dupT alters a non-conserved nucleotide located close to a canonical splice site and therefore could affect mRNA splicing, leading to a significantly altered protein sequence. 5/5 computational tools predict no significant impact on normal splicing. However, these predictions have yet to be confirmed by functional studies. The variant allele was found at a frequency of 0.01 in 16028 control chromosomes in the ExAC database, including 3 homozygotes. The observed variant frequency is approximately 4100 fold of the estimated maximal expected allele frequency for a pathogenic variant in BRAF causing Noonan Syndrome and Related Conditions phenotype (2.5e-06), strongly suggesting that the variant is benign. To our knowledge, no occurrence of c.2128-17dupT in individuals affected with Noonan Syndrome and Related Conditions and no experimental evidence demonstrating its impact on protein function have been reported. No clinical diagnostic laboratories have submitted clinical-significance assessments for this variant to ClinVar after 2014. Based on the evidence outlined above, the variant was classified as benign.

PreventionGenetics, part of Exact Sciences
Classification: Likely benign for BRAF-related condition. Last evaluated: 2021-03-02. Review status: no assertion criteria provided. Collection method: clinical testing. Allele origin: germline. Not counted in ClinVar's aggregate classification.
Comment: This variant is classified as likely benign based on ACMG/AMP sequence variant interpretation guidelines (Richards et al. 2015 PMID: 25741868, with internal and published modifications).

Literature cited by the submitters: PubMed 24920063 (cited by Women's Health and Genetics/Laboratory Corporation of America, LabCorp).